The following is an entry in ClinVar:

ClinVar aggregate classification (germline): Uncertain significance (1 of 4 stars; one submission).

Conditions:
Inborn genetic diseases. Identifiers: MedGen C0950123, MeSH D030342.

Submission:

Ambry Genetics
Classification: Uncertain significance for Inborn genetic diseases. Last evaluated: 2026-07-22. Review status: criteria provided, single submitter. Criteria: Ambry Variant Classification Scheme 2023. Collection method: clinical testing. Allele origin: germline.
Comment: The p.G15R variant (also known as c.43G>A), located in coding exon 1 of the HAX1 gene, results from a G to A substitution at nucleotide position 43. The glycine at codon 15 is replaced by arginine, an amino acid with dissimilar properties. This amino acid position is conserved. In addition, this alteration is predicted to be tolerated by in silico analysis. Based on the available evidence, the clinical significance of this variant remains unclear.

NM_006118.4(HAX1):c.43G>A (p.Gly15Arg)

Gene: HAX1 (HCLS1 associated protein X-1; plus strand). Cytogenetic location: 1q21.3.
Variant type: single nucleotide variant.
Coding change: c.43G>A on transcript NM_006118.4 (MANE Select); coding-DNA position 43, G replaced by A.
Protein change: p.Gly15Arg; replaces glycine 15 with arginine.
Molecular consequence: missense variant.
Genome position (GRCh38, 1-based): chr1:154,272,766, G>A. VCF-style: chr1-154272766-G-A. GRCh37 (hg19) VCF-style: chr1-154245242-G-A.
Other names: c.43G>A, p.Gly15Arg (NM_001018837.2); short protein forms G15R.
Identifiers: ClinVar variation 5022580 (VCV005022580.1).
Genomic context (GRCh38, chr1:154,272,766, plus strand): 5'-TCGCGTCCCAGTACGGGAATGAGCCTCTTTGATCTCTTCCGGGGCTTTTTCGGCTTTCCT[G>A]GACCTCGGAGGTGAGAGTAGGTCCGGCTCGGACAAGGGTGGGGGTCGTCTGAGGGGAGCT-3'
Protein context (NP_006109.2, residues 5-25): DLFRGFFGFP[Gly15Arg]PRSHRDPFFG